The following is an entry in ClinVar:

ClinVar aggregate classification (germline): Uncertain significance. Review status: criteria provided, multiple submitters, no conflicts (2 of 4 stars). 5 submissions from 5 submitters: Uncertain significance (5). Last evaluated 2025-08-30.

Conditions:
Inborn genetic diseases. Identifiers: MedGen C0950123, MeSH D030342.
Autosomal dominant nonsyndromic hearing loss 1. Also called: KONIGSMARK SYNDROME; DEAFNESS, AUTOSOMAL DOMINANT 1, WITH OR WITHOUT THROMBOCYTOPENIA. Identifiers: Orphanet 90635, MedGen C1852282, MONDO:0007424, OMIM 124900.
Progressive microcephaly-seizures-cortical blindness-developmental delay syndrome. Also called: Seizures, cortical blindness, and microcephaly syndrome. Identifiers: Orphanet 477814, MedGen C5567650, MONDO:0014714, OMIM 616632.

Allele frequency attached by ClinVar (database versions not stated): gnomAD exomes below 0.00001 and 0.00002; ExAC 0.00001; gnomAD 0.00002; 1000 Genomes Project 30x 0.00047; 1000 Genomes Project 0.00060.
gnomAD v4.1: 10 of 1,614,232 alleles (0.00062%); highest among the groups gnomAD compares: East Asian, 0.022%; no homozygotes.

Submissions (5):

Labcorp Genetics (formerly Invitae), Labcorp
Classification: Uncertain significance for Progressive microcephaly-seizures-cortical blindness-developmental delay syndrome; Autosomal dominant nonsyndromic hearing loss 1. Last evaluated: 2025-08-30. Review status: criteria provided, single submitter. Criteria: Invitae Variant Classification Sherloc (09022015). Collection method: clinical testing. Allele origin: germline.
Comment: This sequence change replaces methionine, which is neutral and non-polar, with threonine, which is neutral and polar, at codon 256 of the DIAPH1 protein (p.Met256Thr). This variant is present in population databases (rs532196989, gnomAD 0.03%). This variant has not been reported in the literature in individuals affected with DIAPH1-related conditions. ClinVar contains an entry for this variant (Variation ID: 961373). Experimental studies and prediction algorithms are not available or were not evaluated, and the functional significance of this variant is currently unknown. In summary, the available evidence is currently insufficient to determine the role of this variant in disease. Therefore, it has been classified as a Variant of Uncertain Significance.

GeneDx
Classification: Uncertain significance. Last evaluated: 2025-01-27. Review status: criteria provided, single submitter. Criteria: GeneDx Variant Classification Process June 2021. Collection method: clinical testing. Allele origin: germline. Affected: yes.
Comment: In silico analysis supports that this missense variant has a deleterious effect on protein structure/function; Has not been previously published as pathogenic or benign to our knowledge

CeGaT Center for Human Genetics Tuebingen
Classification: Uncertain significance. Last evaluated: 2025-01-01. Review status: criteria provided, single submitter. Criteria: CeGaT Center For Human Genetics Tuebingen Variant Classification Criteria Version 2. Collection method: clinical testing. Allele origin: germline. Affected: yes. Observed: 1 variant allele.
Comment: DIAPH1: PM2, PP3

Ambry Genetics
Classification: Uncertain significance for Inborn genetic diseases. Last evaluated: 2022-07-08. Review status: criteria provided, single submitter. Criteria: Ambry Variant Classification Scheme 2023. Collection method: clinical testing. Allele origin: germline.

Blueprint Genetics
Classification: Uncertain significance. Last evaluated: 2021-09-24. Review status: criteria provided, single submitter. Criteria: ACMG Guidelines, 2015. Collection method: clinical testing. Allele origin: germline.

NM_005219.5(DIAPH1):c.767T>C (p.Met256Thr)

Gene: DIAPH1 (diaphanous related formin 1; minus strand). Cytogenetic location: 5q31.3.
Variant type: single nucleotide variant.
Coding change: c.767T>C on transcript NM_005219.5 (MANE Select); coding-DNA position 767, T replaced by C.
Protein change: p.Met256Thr; replaces methionine 256 with threonine.
Molecular consequence: missense variant.
Genome position (GRCh38, 1-based): chr5:141,580,801, A>G on the plus strand (T>C on the coding strand, the complement: DIAPH1 is on the minus strand). VCF-style: chr5-141580801-A-G. GRCh37 (hg19) VCF-style: chr5-140960368-A-G.
Other names: c.740T>C, p.Met247Thr (NM_001079812.3); c.767T>C, p.Met256Thr (NM_001314007.2); short protein forms M256T, M247T.
Identifiers: ClinVar variation 961373 (VCV000961373.27), dbSNP rs532196989, ClinGen allele CA3479491.